The following is an entry in ClinVar:

NM_000441.2(SLC26A4):c.1614+1G>T

Gene: SLC26A4 (solute carrier family 26 member 4; plus strand). Cytogenetic location: 7q22.3.
Variant type: single nucleotide variant.
Coding change: c.1614+1G>T on transcript NM_000441.2 (MANE Select); the canonical splice donor site of the intron after coding-DNA position 1614, G replaced by T.
Molecular consequence: splice donor variant.
Genome position (GRCh38, 1-based): chr7:107,698,112, G>T. VCF-style: chr7-107698112-G-T. GRCh37 (hg19) VCF-style: chr7-107338557-G-T.
Other names: c.1614+1G>T (NM_000441.1).
Identifiers: ClinVar variation 1069712 (VCV001069712.12), dbSNP rs111033312, ClinGen allele CA368841754.

ClinVar aggregate classification (germline): Pathogenic/Likely pathogenic. Review status: criteria provided, multiple submitters, no conflicts (2 of 4 stars). 6 submissions from 6 submitters: Pathogenic (4); Likely pathogenic (2). Last evaluated 2025-03-31.

Conditions:
Pendred syndrome (PDS). Also called: DEAFNESS WITH GOITER; GOITER-DEAFNESS SYNDROME; HYPOTHYROIDISM, CONGENITAL, DUE TO DYSHORMONOGENESIS, 2B; Pendred's syndrome; Pendred Syndrome (PDS); THYROID DYSHORMONOGENESIS 2B. Identifiers: Orphanet 705, MedGen C0271829, MONDO:0010134, OMIM 274600.
Autosomal recessive nonsyndromic hearing loss 4 (DFNB4). Also called: NEUROSENSORY NONSYNDROMIC RECESSIVE DEAFNESS 4; DEAFNESS, AUTOSOMAL RECESSIVE 4, WITH ENLARGED VESTIBULAR AQUEDUCT, DIGENIC; Nonsyndromic enlarged vestibular aqueduct (NSEVA); Deafness, autosomal recessive 4, with enlarged vestibular aqueduct; Deafness, autosomal recessive 4; Enlarged vestibular aqueduct, digenic. Identifiers: Orphanet 90636, MedGen C3538946, MONDO:0010933, OMIM 600791.

gnomAD v4.1: 1 of 1,591,322 alleles (0.000063%); highest among the groups gnomAD compares: Admixed American, 0.0017%; no homozygotes.

Submissions (6):

Myriad Genetics, Inc.
Classification: Likely pathogenic for Pendred syndrome. Last evaluated: 2025-03-31. Review status: criteria provided, single submitter. Criteria: Myriad Autosomal Dominant, Autosomal Recessive and X-Linked Classification Criteria (2023). Collection method: clinical testing. Allele origin: unknown.
Comment: NM_000441.1(SLC26A4):c.1614+1G>T is a variant in a canonical splice site classified as likely pathogenic in the context of Pendred syndrome. c.1614+1G>T has been observed in a case with relevant disease (PMID: 32770655). Relevant functional assessments of this variant are not available in the literature. c.1614+1G>T has been observed in referenced population frequency databases. In summary, NM_000441.1(SLC26A4):c.1614+1G>T is a variant in a canonical splice site in a gene where loss of function is a known mechanism of disease, is predicted to disrupt protein function, and has been observed more frequently in cases with the relevant disease than in healthy populations. Please note: this variant was assessed in the context of healthy population screening.

Natera, Inc.
Classification: Pathogenic for Pendred syndrome. Last evaluated: 2024-08-29. Review status: criteria provided, single submitter. Criteria: Natera Variant Classification Schema (03/2026). Collection method: clinical testing. Allele origin: germline.
Comment: The c.1614+1G>T variant in SLC26A4 is a canonical splice donor site variant predicted to affect pre-mRNA splicing, which may result in an abnormal transcript and altered protein product. This variant is expected to result in nonsense mediated decay, truncation, or a dysfunctional protein product. This variant is rare in the general population with a frequency below the threshold expected for the associated phenotype(s). This variant has been observed in one or more individuals affected with the associated recessive disease, as either homozygous or compound heterozygous with a second variant (PMID: 18167283). Another variant at this same site results in an alteration predicted to cause a similar molecular effect has been observed in individual(s) with the associated phenotype. Given the available evidence, this variant is classified as Pathogenic.

Fulgent Genetics
Classification: Likely pathogenic for Pendred syndrome; Autosomal recessive nonsyndromic hearing loss 4. Last evaluated: 2024-04-16. Review status: criteria provided, single submitter. Criteria: ACMG Guidelines, 2015. Collection method: clinical testing. Allele origin: germline.

GeneDx
Classification: Pathogenic. Last evaluated: 2023-11-02. Review status: criteria provided, single submitter. Criteria: GeneDx Variant Classification Process June 2021. Collection method: clinical testing. Allele origin: germline. Affected: yes.
Comment: Identified in a patient with an inner ear malformation in published literature, however, additional clinical information was not able to be reviewed (PMID: 18167283); Canonical splice site variant predicted to result in a null allele in a gene for which loss of function is a known mechanism of disease; Not observed at significant frequency in large population cohorts (gnomAD); This variant is associated with the following publications: (PMID: 25525159, 29048421, 11919333, 20128824, 18167283, 31541171, 24105851, 18285825, 15355436)

Baylor Genetics
Classification: Pathogenic for Autosomal recessive nonsyndromic hearing loss 4. Last evaluated: 2023-05-10. Review status: criteria provided, single submitter. Criteria: ACMG Guidelines, 2015. Collection method: clinical testing. Allele origin: unknown.

Labcorp Genetics (formerly Invitae), Labcorp
Classification: Pathogenic. Last evaluated: 2022-03-12. Review status: criteria provided, single submitter. Criteria: Invitae Variant Classification Sherloc (09022015). Collection method: clinical testing. Allele origin: germline.
Comment: For these reasons, this variant has been classified as Pathogenic. Algorithms developed to predict the effect of sequence changes on RNA splicing suggest that this variant may disrupt the consensus splice site. ClinVar contains an entry for this variant (Variation ID: 1069712). Disruption of this splice site has been observed in individual(s) with deafness and Pendred syndrome (PMID: 11919333, 20128824, 29048421). In at least one individual the data is consistent with being in trans (on the opposite chromosome) from a pathogenic variant. It has also been observed to segregate with disease in related individuals. This variant is present in population databases (no rsID available, gnomAD 0.003%). This sequence change affects a donor splice site in intron 14 of the SLC26A4 gene. It is expected to disrupt RNA splicing. Variants that disrupt the donor or acceptor splice site typically lead to a loss of protein function (PMID: 16199547), and loss-of-function variants in SLC26A4 are known to be pathogenic (PMID: 16283880, 25394566, 26252218, 26445815).

Literature cited by the submitters: PubMed 32770655 (cited by Myriad Genetics, Inc.); PubMed 18167283 (cited by Natera, Inc.); PubMed 11919333 (cited by Labcorp Genetics (formerly Invitae), Labcorp); PubMed 20128824 (cited by Labcorp Genetics (formerly Invitae), Labcorp); PubMed 29048421 (cited by Labcorp Genetics (formerly Invitae), Labcorp); PubMed 16199547 (cited by Labcorp Genetics (formerly Invitae), Labcorp); PubMed 16283880 (cited by Labcorp Genetics (formerly Invitae), Labcorp); PubMed 25394566 (cited by Labcorp Genetics (formerly Invitae), Labcorp); PubMed 26252218 (cited by Labcorp Genetics (formerly Invitae), Labcorp); PubMed 26445815 (cited by Labcorp Genetics (formerly Invitae), Labcorp).